The following is an entry in ClinVar:

NM_001080517.3(SETD5):c.1387G>C (p.Asp463His)

Gene: SETD5 (SET domain containing 5; plus strand). Cytogenetic location: 3p25.3.
Variant type: single nucleotide variant.
Coding change: c.1387G>C on transcript NM_001080517.3 (MANE Select); coding-DNA position 1387, G replaced by C.
Protein change: p.Asp463His; replaces aspartic acid 463 with histidine.
Molecular consequence: missense variant.
Genome position (GRCh38, 1-based): chr3:9,445,247, G>C. VCF-style: chr3-9445247-G-C. GRCh37 (hg19) VCF-style: chr3-9486931-G-C.
Other names: c.1093G>C, p.Asp365His (NM_001292043.2, NM_001349451.2); short protein forms D365H, D463H.
Identifiers: ClinVar variation 1973067 (VCV001973067.5), dbSNP rs2472831206, ClinGen allele CA351693558.
Genomic context (GRCh38, chr3:9,445,247, plus strand): 5'-AAAGCACGACGGAAAGAGCTAGAGATGGAGCAGCAGAATGAGGCTTCAGAGGAGAATAAT[G>C]ACCAGCAATCACAAGAAGTTCCAGAAAAAGTAACTGTATCCAGTGATCATGAGGTAATCG-3'
Protein context (NP_001073986.1, residues 453-473): QQNEASEENN[Asp463His]QQSQEVPEKV

ClinVar aggregate classification (germline): Uncertain significance (1 of 4 stars; one submission).

Submission:

Labcorp Genetics (formerly Invitae), Labcorp
Classification: Uncertain significance. Last evaluated: 2025-07-31. Review status: criteria provided, single submitter. Criteria: Invitae Variant Classification Sherloc (09022015). Collection method: clinical testing. Allele origin: germline.
Comment: This sequence change replaces aspartic acid, which is acidic and polar, with histidine, which is basic and polar, at codon 463 of the SETD5 protein (p.Asp463His). This variant is not present in population databases (gnomAD no frequency). This variant has not been reported in the literature in individuals affected with SETD5-related conditions. ClinVar contains an entry for this variant (Variation ID: 1973067). Invitae Evidence Modeling of protein sequence and biophysical properties (such as structural, functional, and spatial information, amino acid conservation, physicochemical variation, residue mobility, and thermodynamic stability) indicates that this missense variant is not expected to disrupt SETD5 protein function with a negative predictive value of 80%. In summary, the available evidence is currently insufficient to determine the role of this variant in disease. Therefore, it has been classified as a Variant of Uncertain Significance.